The following is an entry in ClinVar:

ClinVar aggregate classification (germline): Conflicting classifications of pathogenicity. Review status: criteria provided, conflicting classifications (1 of 4 stars). 4 submissions from 4 submitters: Uncertain significance (2); Benign (1). 1 of the submissions does not count toward it. Last evaluated 2026-05-12.

Conditions:
FOXRED1-related disorder. Also called: FOXRED1-related condition.

Allele frequency attached by ClinVar (database versions not stated): gnomAD exomes 0.00006; TOPMed 0.00009; gnomAD 0.00015; ExAC 0.00021; 1000 Genomes Project 30x 0.00078; 1000 Genomes Project 0.00100.

Submissions (4):

GeneDx
Classification: Uncertain significance. Last evaluated: 2026-05-12. Review status: criteria provided, single submitter. Criteria: GeneDx Variant Classification Process June 2021. Collection method: clinical testing. Allele origin: germline.
Comment: Has not been previously published as pathogenic or benign to our knowledge; In silico analysis supports that this missense variant has a deleterious effect on protein structure/function

Labcorp Genetics (formerly Invitae), Labcorp
Classification: Benign. Last evaluated: 2026-01-16. Review status: criteria provided, single submitter. Criteria: Invitae Variant Classification Sherloc (09022015). Collection method: clinical testing. Allele origin: germline.

Blueprint Genetics
Classification: Uncertain significance. Last evaluated: 2024-06-06. Review status: criteria provided, single submitter. Criteria: ACMG Guidelines, 2015. Collection method: clinical testing. Allele origin: germline.

PreventionGenetics, part of Exact Sciences
Classification: Likely benign for FOXRED1-related condition. Last evaluated: 2024-08-05. Review status: no assertion criteria provided. Collection method: clinical testing. Allele origin: germline. Not counted in ClinVar's aggregate classification.
Comment: This variant is classified as likely benign based on ACMG/AMP sequence variant interpretation guidelines (Richards et al. 2015 PMID: 25741868, with internal and published modifications).

NM_017547.4(FOXRED1):c.395C>T (p.Ala132Val)

Gene: FOXRED1 (FAD dependent oxidoreductase domain containing 1; plus strand). Cytogenetic location: 11q24.2.
Variant type: single nucleotide variant.
Coding change: c.395C>T on transcript NM_017547.4 (MANE Select); coding-DNA position 395, C replaced by T.
Protein change: p.Ala132Val; replaces alanine 132 with valine.
Molecular consequence: missense variant. On other transcripts: non-coding transcript variant (2).
Genome position (GRCh38, 1-based): chr11:126,273,057, C>T. VCF-style: chr11-126273057-C-T. GRCh37 (hg19) VCF-style: chr11-126142952-C-T.
Other names: c.395C>T (NM_017547.3); short protein forms A132V.
Identifiers: ClinVar variation 2037698 (VCV002037698.8), dbSNP rs75183025, ClinGen allele CA6354052.